The following is an entry in ClinVar:

NM_000287.4(PEX6):c.2440C>T (p.Arg814Ter)

Gene: PEX6 (peroxisomal biogenesis factor 6; minus strand). Cytogenetic location: 6p21.1.
Variant type: single nucleotide variant.
Coding change: c.2440C>T on transcript NM_000287.4 (MANE Select); coding-DNA position 2440, C replaced by T.
Protein change: p.Arg814Ter; replaces arginine 814 with a stop codon.
Molecular consequence: nonsense. On other transcripts: non-coding transcript variant (1).
Genome position (GRCh38, 1-based): chr6:42,965,712, G>A on the plus strand (C>T on the coding strand, the complement: PEX6 is on the minus strand). VCF-style: chr6-42965712-G-A. GRCh37 (hg19) VCF-style: chr6-42933450-G-A.
Other names: c.2176C>T, p.Arg726Ter (NM_001316313.2); short protein forms R814*, R726*.
Identifiers: ClinVar variation 194165 (VCV000194165.25), dbSNP rs267608241, ClinGen allele CA201002.

ClinVar aggregate classification (germline): Pathogenic. Review status: criteria provided, multiple submitters, no conflicts (2 of 4 stars). 9 submissions from 9 submitters: Pathogenic (8). 1 of the submissions does not count toward it. Last evaluated 2025-11-12.

Conditions:
Zellweger spectrum disorders (ZS). Also called: Zellweger syndrome; Zellweger Spectrum Disorder (ZSD); Zellweger Spectrum Disorder; Zellweger Spectrum. Identifiers: Orphanet 912, MedGen C0043459, MONDO:0019609.
PEX6-related disorder. Also called: PEX6-related condition; PEX6-related disorders.
Heimler syndrome 2 (HMLR2). Also called: PEROXISOME BIOGENESIS DISORDER 4C. Identifiers: Orphanet 3220, MedGen C4225267, OMIM 616617, MONDO:0014709.
Peroxisome biogenesis disorder 4A (Zellweger) (PBD4A). Also called: Zellweger syndrome spectrum (PEX6-related). Identifiers: Orphanet 912, MedGen C3553936, MONDO:0013930, OMIM 614862. Disease mechanism: loss of function.
Peroxisome biogenesis disorder 4B (PBD4B). Also called: SPINOCEREBELLAR ATAXIA WITH BLINDNESS AND DEAFNESS 1. Identifiers: Orphanet 44, Orphanet 95433, MedGen C3553937, MONDO:0013931, OMIM 614863.
Peroxisome biogenesis disorder. Identifiers: Orphanet 79189, MedGen C1832200, MONDO:0019234. Disease mechanism: loss of function.

Allele frequency attached by ClinVar (database versions not stated): ExAC 0.00001; gnomAD exomes 0.00001 and 0.00002; TOPMed 0.00003.
gnomAD v4.1: 10 of 1,613,648 alleles (0.00062%); highest among the groups gnomAD compares: East Asian, 0.0045%; no homozygotes.

Submissions (9):

Labcorp Genetics (formerly Invitae), Labcorp
Classification: Pathogenic for Peroxisome biogenesis disorder. Last evaluated: 2025-11-12. Review status: criteria provided, single submitter. Criteria: Invitae Variant Classification Sherloc (09022015). Collection method: clinical testing. Allele origin: germline.
Comment: This sequence change creates a premature translational stop signal (p.Arg814*) in the PEX6 gene. It is expected to result in an absent or disrupted protein product. Loss-of-function variants in PEX6 are known to be pathogenic (PMID: 10408779, 21031596, 31831025). This variant is present in population databases (rs267608241, gnomAD 0.01%). This premature translational stop signal has been observed in individual(s) with Zellweger Syndrome Spectrum (PMID: 19877282). ClinVar contains an entry for this variant (Variation ID: 194165). Algorithms developed to predict the effect of sequence changes on RNA splicing suggest that this variant may disrupt the consensus splice site. For these reasons, this variant has been classified as Pathogenic.

Natera, Inc.
Classification: Pathogenic for Zellweger syndrome. Last evaluated: 2025-07-28. Review status: criteria provided, single submitter. Criteria: Natera Variant Classification Schema (03/2026). Collection method: clinical testing. Allele origin: germline.
Comment: The c.2440C>T variant in PEX6 is a nonsense variant predicted to introduce a stop codon at amino acid 814. This variant is expected to result in nonsense mediated decay, truncation, or a dysfunctional protein product. This variant is rare in the general population with a frequency below the threshold expected for the associated phenotype(s). This variant has been observed in one or more individuals affected with the associated recessive disease, as either homozygous or compound heterozygous with a second variant (PMID: 19877282, 33213396). Given the available evidence, this variant is classified as Pathogenic.

Women's Health and Genetics/Laboratory Corporation of America, LabCorp
Classification: Pathogenic for Peroxisome biogenesis disorder. Last evaluated: 2024-10-15. Review status: criteria provided, single submitter. Criteria: LabCorp Variant Classification Summary - May 2015. Collection method: clinical testing. Allele origin: germline.
Comment: Variant summary: PEX6 c.2440C>T (p.Arg814X) results in a premature termination codon, predicted to cause a truncation of the encoded protein or absence of the protein due to nonsense mediated decay, which are commonly known mechanisms for disease. The variant allele was found at a frequency of 2e-05 in 251478 control chromosomes. c.2440C>T has been reported in the literature in at-least three individuals affected with Zellweger Syndrome (example, Ebberink_2011). These data indicate that the variant is likely to be associated with disease. To our knowledge, no experimental evidence demonstrating an impact on protein function has been reported. The following publication has been ascertained in the context of this evaluation (PMID: 19877282). ClinVar contains an entry for this variant (Variation ID: 194165). Based on the evidence outlined above, the variant was classified as pathogenic.

Baylor Genetics
Classification: Pathogenic for Heimler syndrome 2. Last evaluated: 2024-02-19. Review status: criteria provided, single submitter. Criteria: ACMG Guidelines, 2015. Collection method: clinical testing. Allele origin: unknown.

Blueprint Genetics
Classification: Pathogenic for PEX6-related disorders. Last evaluated: 2020-07-08. Review status: criteria provided, single submitter. Criteria: ACMG Guidelines, 2015. Collection method: clinical testing. Allele origin: germline. Affected: yes. Observed: 4 variant alleles.

GeneDx
Classification: Pathogenic. Last evaluated: 2019-11-22. Review status: criteria provided, single submitter. Criteria: GeneDx Variant Classification Process June 2021. Collection method: clinical testing. Allele origin: germline. Affected: yes.
Comment: Nonsense variant predicted to result in protein truncation or nonsense mediated decay in a gene for which loss-of-function is a known mechanism of disease; Not observed at a significant frequency in large population cohorts (Lek et al., 2016); This variant is associated with the following publications: (PMID: 19877282, 25525159, 31589614, 33213396, 31884617)

Fulgent Genetics
Classification: Pathogenic for Peroxisome biogenesis disorder 4A (Zellweger); Peroxisome biogenesis disorder 4B; Heimler syndrome 2. Last evaluated: 2018-10-31. Review status: criteria provided, single submitter. Criteria: ACMG Guidelines, 2015. Collection method: clinical testing. Allele origin: unknown.

Eurofins Ntd Llc (ga)
Classification: Pathogenic. Last evaluated: 2015-04-13. Review status: criteria provided, single submitter. Criteria: EGL Classification Definitions 2015. Collection method: clinical testing. Allele origin: germline. Observed: 2 variant alleles, 2 heterozygotes.

Counsyl
Classification: Pathogenic for Peroxisome biogenesis disorder 4B. Last evaluated: 2017-06-14. Review status: no assertion criteria provided. Collection method: clinical testing. Allele origin: unknown. Not counted in ClinVar's aggregate classification.

Literature cited by the submitters: PubMed 10408779 (cited by Labcorp Genetics (formerly Invitae), Labcorp); PubMed 21031596 (cited by Labcorp Genetics (formerly Invitae), Labcorp); PubMed 31831025 (cited by Labcorp Genetics (formerly Invitae), Labcorp); PubMed 19877282 (cited by 4 submitters); PubMed 33213396 (cited by Natera, Inc.).